The following is an entry in ClinVar:

NM_152703.5(SAMD9L):c.986_987del (p.Lys329fs)

Gene: SAMD9L (sterile alpha motif domain containing 9 like; minus strand). Cytogenetic location: 7q21.2.
Variant type: Deletion.
Coding change: c.986_987del on transcript NM_152703.5 (MANE Select); coding-DNA positions 986 to 987, 2 bases deleted (AA; older notation c.986_987delAA).
Protein change: p.Lys329fs; shifts the reading frame from lysine 329.
Molecular consequence: frameshift variant.
Genome position (GRCh38, 1-based): chr7:93,134,985-93,134,986, TT deleted on the plus strand (AA on the coding strand, the reverse complement: SAMD9L is on the minus strand); deleting any 2 consecutive bases within chr7:93,134,985-93,134,987 gives the same sequence; the c. name uses the placement nearest the transcript's 3' end. VCF-style (leftmost placement, unchanged base first): chr7-93134984-CTT-C. GRCh37 (hg19) VCF-style: chr7-92764297-CTT-C.
Other names: c.986_987del, p.Lys329fs (NM_001303496.3, NM_001303497.3, NM_001303498.3 and 5 more transcripts); short protein forms K329fs.
Identifiers: ClinVar variation 5002164 (VCV005002164.1).
Genomic context (GRCh38, chr7:93,134,984, plus strand): 5'-TAGAGCTAGCCCCTTCTCTTACAAACAGTGAAAGATTTTGGTTTTGTTTCCATATTTTAT[CTT>C]TACAAATTTGCATCTGAATGTAGAAATACTTATCATTACATATAGAGTGTTTTGGAATAG-3'

ClinVar aggregate classification (germline): Uncertain significance (1 of 4 stars; one submission).

Conditions:
SAMD9L-related disorder. Also called: SAMD9L-related disorders; SAMD9L-related condition.

Submission:

PreventionGenetics, part of Exact Sciences
Classification: Uncertain significance for SAMD9L-related condition. Last evaluated: 2025-07-17. Review status: criteria provided, single submitter. Criteria: ACMG Guidelines, 2015. Collection method: clinical testing. Allele origin: germline.
Comment: The SAMD9L c.986_987delAA variant is predicted to result in a frameshift and premature protein termination (p.Lys329Argfs*2). To our knowledge, this variant has not been reported in the literature or in a large population database (gnomAD), indicating this variant is rare. Premature termination variants have not been conclusively shown to cause SAMD9L-related disease. At this time, the clinical significance of this variant is uncertain due to the absence of conclusive functional and genetic evidence.